The following is an entry in ClinVar:

NM_003119.4(SPG7):c.799A>T (p.Ile267Phe)

Gene: SPG7 (SPG7 matrix AAA peptidase subunit, paraplegin; plus strand). Cytogenetic location: 16q24.3.
Variant type: single nucleotide variant.
Coding change: c.799A>T on transcript NM_003119.4 (MANE Select); coding-DNA position 799, A replaced by T.
Protein change: p.Ile267Phe; replaces isoleucine 267 with phenylalanine.
Molecular consequence: missense variant.
Genome position (GRCh38, 1-based): chr16:89,529,517, A>T. VCF-style: chr16-89529517-A-T. GRCh37 (hg19) VCF-style: chr16-89595925-A-T.
Other names: c.799A>T, p.Ile267Phe (NM_001363850.1, NM_199367.3); short protein forms I267F.
Identifiers: ClinVar variation 4056017 (VCV004056017.1).

ClinVar aggregate classification (germline): Uncertain significance (1 of 4 stars; one submission).

gnomAD v4.1: 15 of 1,613,924 alleles (0.00093%); highest among the groups gnomAD compares: Non-Finnish European, 0.0012%; no homozygotes.

Submission:

GeneDx
Classification: Uncertain significance. Last evaluated: 2025-01-07. Review status: criteria provided, single submitter. Criteria: GeneDx Variant Classification Process June 2021. Collection method: clinical testing. Allele origin: germline. Affected: yes.
Comment: Not observed at significant frequency in large population cohorts (gnomAD); In silico analysis indicates that this missense variant does not alter protein structure/function; Has not been previously published as pathogenic or benign to our knowledge; This variant is associated with the following publications: (PMID: 22571692)